The following is an entry in ClinVar:

ClinVar aggregate classification (germline): Uncertain significance (1 of 4 stars; one submission).

Conditions:
Familial thoracic aortic aneurysm and aortic dissection (TAAD). Also called: Thoracic aortic aneurysms and dissections. Identifiers: Orphanet 91387, MedGen C4707243, MONDO:0019625.

Submission:

Color Diagnostics, LLC DBA Color Health
Classification: Uncertain significance for Familial thoracic aortic aneurysm and aortic dissection. Last evaluated: 2023-12-04. Review status: criteria provided, single submitter. Criteria: ACMG Guidelines, 2015. Collection method: clinical testing. Allele origin: germline.
Comment: Variant of Uncertain Significance due to insufficient evidence: This missense variant replaces arginine with lysine at codon 442 of the TGFBR1 protein. Computational prediction tools and conservation analyses are inconclusive regarding the impact of this variant on the protein function. Computational splicing tools suggest that this variant may not impact RNA splicing. To our knowledge, functional assays have not been performed for this variant nor has this variant been reported in individuals affected with cardiovascular disorders in the literature. This variant has not been identified in the general population by the Genome Aggregation Database (gnomAD). Available evidence is insufficient to determine the role of this variant in disease conclusively.

NM_004612.4(TGFBR1):c.1325G>A (p.Arg442Lys)

Gene: TGFBR1 (transforming growth factor beta receptor 1; plus strand). Cytogenetic location: 9q22.33.
Variant type: single nucleotide variant.
Coding change: c.1325G>A on transcript NM_004612.4 (MANE Select); coding-DNA position 1325, G replaced by A.
Protein change: p.Arg442Lys; replaces arginine 442 with lysine.
Molecular consequence: missense variant.
Genome position (GRCh38, 1-based): chr9:99,147,723, G>A. VCF-style: chr9-99147723-G-A. GRCh37 (hg19) VCF-style: chr9-101910005-G-A.
Other names: c.1094G>A, p.Arg365Lys (NM_001130916.3); c.1337G>A, p.Arg446Lys (NM_001306210.2); short protein forms R446K, R442K, R365K.
Identifiers: ClinVar variation 923124 (VCV000923124.5), dbSNP rs1827843082, ClinGen allele CA374233385.